The following is an entry in ClinVar:

ClinVar aggregate classification (germline): Uncertain significance. Review status: criteria provided, multiple submitters, no conflicts (2 of 4 stars). 2 submissions from 2 submitters: Uncertain significance (2). Last evaluated 2025-04-16.

Conditions:
Creatine transporter deficiency (CCDS1). Also called: CEREBRAL CREATINE DEFICIENCY SYNDROME 1; Creatine Transporter (CRTR) Deficiency; Mental retardation , X-linked with seizures, short stature and midface hypoplasia; Mental retardation , X-linked, with creatine transport deficiency; X-linked creatine transporter deficiency; X-linked creatine deficiency syndrome. Identifiers: Orphanet 52503, MedGen C1845862, MONDO:0010305, OMIM 300352.
Inborn genetic diseases. Identifiers: MedGen C0950123, MeSH D030342.

Submissions (2):

Ambry Genetics
Classification: Uncertain significance for Inborn genetic diseases. Last evaluated: 2025-04-16. Review status: criteria provided, single submitter. Criteria: Ambry Variant Classification Scheme 2023. Collection method: clinical testing. Allele origin: germline.
Comment: The c.191C>T (p.S64L) alteration is located in exon 1 (coding exon 1) of the SLC6A8 gene. This alteration results from a C to T substitution at nucleotide position 191, causing the serine (S) at amino acid position 64 to be replaced by a leucine (L). This variant was not reported in population-based cohorts in the Genome Aggregation Database (gnomAD). This amino acid position is highly conserved in available vertebrate species. This alteration is predicted to be deleterious by in silico analysis. Based on insufficient or conflicting evidence, the clinical significance of this alteration remains unclear.

3billion
Classification: Uncertain significance for Creatine transporter deficiency. Last evaluated: 2024-06-17. Review status: criteria provided, single submitter. Criteria: ACMG Guidelines, 2015. Collection method: clinical testing. Allele origin: germline. Affected: yes.
Comment: The variant is not observed in the gnomAD v4.0.0 dataset. Predicted Consequence/Location: Missense variant In silico tool predictions suggest damaging effect of the variant on gene or gene product [REVEL: 0.75 (>=0.6, sensitivity 0.68 and specificity 0.92); 3Cnet: 0.61 (>=0.6, sensitivity 0.72 and precision 0.9)]. Therefore, this variant is classified as VUS according to the recommendation of ACMG/AMP guideline.

NM_005629.4(SLC6A8):c.191C>T (p.Ser64Leu)

Gene: SLC6A8 (solute carrier family 6 member 8; plus strand). Cytogenetic location: Xq28.
Variant type: single nucleotide variant.
Coding change: c.191C>T on transcript NM_005629.4 (MANE Select); coding-DNA position 191, C replaced by T.
Protein change: p.Ser64Leu; replaces serine 64 with leucine.
Molecular consequence: missense variant.
Genome position (GRCh38, 1-based): chrX:153,688,765, C>T. VCF-style: chrX-153688765-C-T. GRCh37 (hg19) VCF-style: chrX-152954220-C-T.
Other names: c.191C>T, p.Ser64Leu (NM_001142805.2); short protein forms S64L.
Identifiers: ClinVar variation 3798255 (VCV003798255.3).